The following is an entry in ClinVar:

NM_001256012.3(MYH10):c.3784A>G (p.Thr1262Ala)

Gene: MYH10 (myosin heavy chain 10; minus strand). Cytogenetic location: 17p13.1.
Variant type: single nucleotide variant.
Coding change: c.3784A>G on transcript NM_001256012.3 (MANE Select); coding-DNA position 3784, A replaced by G.
Protein change: p.Thr1262Ala; replaces threonine 1262 with alanine.
Molecular consequence: missense variant.
Genome position (GRCh38, 1-based): chr17:8,499,437, T>C on the plus strand (A>G on the coding strand, the complement: MYH10 is on the minus strand). VCF-style: chr17-8499437-T-C. GRCh37 (hg19) VCF-style: chr17-8402755-T-C.
Other names: c.3718A>G, p.Thr1240Ala (NM_001256095.2); c.3721A>G, p.Thr1241Ala (NM_001375266.1); c.3691A>G, p.Thr1231Ala (NM_005964.5); short protein forms T1231A, T1240A, T1241A, T1262A.
Identifiers: ClinVar variation 3046289 (VCV003046289.2), dbSNP rs141842778, ClinGen allele CA8377368.

ClinVar aggregate classification (germline): Likely benign (0 of 4 stars; one submission).

Conditions:
MYH10-related disorder. Also called: MYH10-related condition.

Allele frequency attached by ClinVar (database versions not stated): 1000 Genomes Project 30x 0.00047; ESP Exome Variant Server 0.00077; gnomAD 0.00091; TOPMed 0.00090; 1000 Genomes Project 0.00040; ExAC 0.00073.
gnomAD v4.1: 2,907 of 1,614,114 alleles (0.18%); highest among the groups gnomAD compares: Non-Finnish European, 0.23%; 6 homozygotes.

Submission:

PreventionGenetics, part of Exact Sciences
Classification: Likely benign for MYH10-related condition. Last evaluated: 2023-01-06. Review status: no assertion criteria provided. Collection method: clinical testing. Allele origin: germline.
Comment: This variant is classified as likely benign based on ACMG/AMP sequence variant interpretation guidelines (Richards et al. 2015 PMID: 25741868, with internal and published modifications).